The following is an entry in ClinVar:

ClinVar aggregate classification (germline): Uncertain significance. Review status: criteria provided, multiple submitters, no conflicts (2 of 4 stars). 3 submissions from 3 submitters: Uncertain significance (3). Last evaluated 2026-01-14.

Conditions:
Rubinstein-Taybi syndrome (RSTS). Identifiers: Orphanet 783, MedGen C0035934, MONDO:0019188.
CREBBP-related disorder. Also called: CREBBP-related condition; CREBBP-related disorders.

gnomAD v4.1: 4 of 1,612,180 alleles (0.00025%); highest among the groups gnomAD compares: Admixed American, 0.0017%; no homozygotes.

Submissions (3):

PreventionGenetics, part of Exact Sciences
Classification: Uncertain significance for CREBBP-related condition. Last evaluated: 2026-01-14. Review status: criteria provided, single submitter. Criteria: ACMG Guidelines, 2015. Collection method: clinical testing. Allele origin: germline.
Comment: The CREBBP c.2323A>G variant is predicted to result in the amino acid substitution p.Met775Val. To our knowledge, this variant has not been reported in the literature or in a large population database, indicating this variant is rare. At this time, the clinical significance of this variant is uncertain due to the absence of conclusive functional and genetic evidence.

Labcorp Genetics (formerly Invitae), Labcorp
Classification: Uncertain significance for Rubinstein-Taybi syndrome. Last evaluated: 2025-03-03. Review status: criteria provided, single submitter. Criteria: Invitae Variant Classification Sherloc (09022015). Collection method: clinical testing. Allele origin: germline.
Comment: This sequence change replaces methionine, which is neutral and non-polar, with valine, which is neutral and non-polar, at codon 775 of the CREBBP protein (p.Met775Val). This variant is not present in population databases (gnomAD no frequency). This variant has not been reported in the literature in individuals affected with CREBBP-related conditions. ClinVar contains an entry for this variant (Variation ID: 1305241). Invitae Evidence Modeling of protein sequence and biophysical properties (such as structural, functional, and spatial information, amino acid conservation, physicochemical variation, residue mobility, and thermodynamic stability) indicates that this missense variant is not expected to disrupt CREBBP protein function with a negative predictive value of 95%. In summary, the available evidence is currently insufficient to determine the role of this variant in disease. Therefore, it has been classified as a Variant of Uncertain Significance.

GeneDx
Classification: Uncertain significance. Last evaluated: 2019-02-05. Review status: criteria provided, single submitter. Criteria: GeneDx Variant Classification Process June 2021. Collection method: clinical testing. Allele origin: germline. Affected: yes.
Comment: Not observed in large population cohorts (Lek et al., 2016); In silico analysis, which includes protein predictors and evolutionary conservation, supports that this variant does not alter protein structure/function; Has not been previously published as pathogenic or benign to our knowledge

NM_004380.3(CREBBP):c.2323A>G (p.Met775Val)

Gene: CREBBP (CREB binding lysine acetyltransferase; minus strand). Cytogenetic location: 16p13.3.
Variant type: single nucleotide variant.
Coding change: c.2323A>G on transcript NM_004380.3 (MANE Select); coding-DNA position 2323, A replaced by G.
Protein change: p.Met775Val; replaces methionine 775 with valine.
Molecular consequence: missense variant.
Genome position (GRCh38, 1-based): chr16:3,773,891, T>C on the plus strand (A>G on the coding strand, the complement: CREBBP is on the minus strand). VCF-style: chr16-3773891-T-C. GRCh37 (hg19) VCF-style: chr16-3823892-T-C.
Other names: c.2209A>G, p.Met737Val (NM_001079846.1); short protein forms M737V, M775V.
Identifiers: ClinVar variation 1305241 (VCV001305241.8), dbSNP rs990281677, ClinGen allele CA276970770.